The following is an entry in ClinVar:

ClinVar aggregate classification (germline): Uncertain significance (1 of 4 stars; one submission).

Submission:

Dasa
Classification: Uncertain significance. Last evaluated: 2024-11-18. Review status: criteria provided, single submitter. Criteria: DASA Assertion Criteria. Collection method: clinical testing. Allele origin: germline.
Comment: NM_001069.3(TUBB2A):c.1333G>A (p.Ala445Thr) is a missense variant that results in the substitution of alanine with threonine. This variant is absent from population databases. Computational prediction algorithms are consistent with a benign effect. The currently available literature and clinical evidence are not sufficient to establish a definitive association between this variant and the reported condition. Therefore, this variant is classified as a variant of uncertain significance.

NM_001069.3(TUBB2A):c.1333G>A (p.Ala445Thr)

Gene: TUBB2A (tubulin beta 2A class IIa; minus strand). Cytogenetic location: 6p25.2.
Variant type: single nucleotide variant.
Coding change: c.1333G>A on transcript NM_001069.3 (MANE Select); coding-DNA position 1333, G replaced by A.
Protein change: p.Ala445Thr; replaces alanine 445 with threonine.
Molecular consequence: missense variant.
Genome position (GRCh38, 1-based): chr6:3,153,868, C>T on the plus strand (G>A on the coding strand, the complement: TUBB2A is on the minus strand). VCF-style: chr6-3153868-C-T. GRCh37 (hg19) VCF-style: chr6-3154102-C-T.
Other names: c.1078G>A, p.Ala360Thr (NM_001310315.2); short protein forms A360T, A445T.
Identifiers: ClinVar variation 4884964 (VCV004884964.2).